The following is an entry in ClinVar:

ClinVar aggregate classification (germline): Conflicting classifications of pathogenicity. Review status: criteria provided, conflicting classifications (1 of 4 stars). 2 submissions from 2 submitters: Likely pathogenic (1); Uncertain significance (1). Last evaluated 2023-06-13.

Conditions:
Hereditary diffuse gastric adenocarcinoma (HDGC). Also called: DIFFUSE GASTRIC AND LOBULAR BREAST CANCER SYNDROME. Identifiers: Orphanet 26106, MedGen C1708349, MONDO:0007648, OMIM 137215.

Submissions (2):

Myriad Genetics, Inc.
Classification: Likely pathogenic for Hereditary diffuse gastric adenocarcinoma. Last evaluated: 2023-06-13. Review status: criteria provided, single submitter. Criteria: Myriad Autosomal Dominant, Autosomal Recessive and X-Linked Classification Criteria (2023). Collection method: clinical testing. Allele origin: unknown.
Comment: This variant is considered likely pathogenic. This variant occurs within a consensus splice junction and is predicted to result in abnormal mRNA splicing of either an out-of-frame exon or an in-frame exon necessary for protein stability and/or normal function.

European Reference Network on Genetic Tumour Risk Syndromes (ERN-GENTURIS), i3s - Instituto de Investigação e Inovação em Saúde, University of Porto
Classification: Uncertain significance for Hereditary diffuse gastric adenocarcinoma. Last evaluated: 2022-08-01. Review status: criteria provided, single submitter. Criteria: Lee et al. (Hum Mutat. 2018). Collection method: clinical testing. Allele origin: germline. Inheritance: Autosomal dominant inheritance. Affected: no. Study: ERN GENTURIS.
Comment: PVS1_Strong; PM2 (PMID: 30311375)

Literature cited by the submitters: PubMed 36436516 (cited by European Reference Network on Genetic Tumour Risk Syndromes (ERN-GENTURIS), i3s - Instituto de Investigação e Inovação em Saúde, University of Porto).

NM_004360.5(CDH1):c.1320+1G>A

Gene: CDH1 (cadherin 1; plus strand). Cytogenetic location: 16q22.1.
Variant type: single nucleotide variant.
Coding change: c.1320+1G>A on transcript NM_004360.5 (MANE Select); the canonical splice donor site of the intron after coding-DNA position 1320, G replaced by A.
Molecular consequence: splice donor variant. On other transcripts: 5 prime UTR variant (1), intron variant (1).
Genome position (GRCh38, 1-based): chr16:68,813,496, G>A. VCF-style: chr16-68813496-G-A. GRCh37 (hg19) VCF-style: chr16-68847399-G-A.
Other names: c.-295G>A (NM_001317185.2); c.-500+1G>A (NM_001317186.2); c.1137+1233G>A (NM_001317184.2).
Identifiers: ClinVar variation 2502946 (VCV002502946.3), dbSNP rs886039685, ClinGen allele CA396461959.
Genomic context (GRCh38, chr16:68,813,496, plus strand): 5'-GGACAATTTGTCGTCACCACAAATCCAGTGAACAACGATGGCATTTTGAAAACAGCAAAG[G>A]TTTGTATGGTACCTGGCAAGATGCAGAAACTGGCATCCTCACAGCTGTTCATACCCTTGT-3'